The following is an entry in ClinVar:

ClinVar aggregate classification (germline): Likely pathogenic (1 of 4 stars; one submission).

Conditions:
Granulomatous disease, chronic, X-linked. Also called: GRANULOMATOUS DISEASE, CHRONIC, X-LINKED, SOMATIC MOSAIC; CYTOCHROME b-NEGATIVE GRANULOMATOUS DISEASE, CHRONIC, X-LINKED. Identifiers: Orphanet 379, MedGen C1844376, MONDO:0010600, OMIM 306400.

Submission:

Next Generation Genetic Polyclinic
Classification: Likely pathogenic for Granulomatous disease, chronic, X-linked. Last evaluated: 2025-05-05. Review status: criteria provided, single submitter. Criteria: ACMG Guidelines, 2015. Collection method: curation. Allele origin: germline. Affected: yes. Observed: 1 variant allele.
Comment: Likely pathogenic insertion variant in the CYBB gene (NM_000397.4:c.1465_1466insC), identified through curation. This germline, hemizygous alteration follows X-linked recessive inheritance and represents a novel variant not observed in population databases (PM2). The insertion disrupts the coding sequence, likely leading to frameshift and impaired protein function, with computational evidence supporting a damaging impact (PP3). No prior records exist in ClinVar or published literature. ACMG criteria support the classification: PM2, PP3, PP4 (if clinical phenotype is consistent with CYBB-related chronic granulomatous disease).

NM_000397.4(CYBB):c.1465_1466insC (p.Asn489fs)

Gene: CYBB (cytochrome b-245 beta chain; plus strand). Cytogenetic location: Xp11.4.
Variant type: Insertion.
Coding change: c.1465_1466insC on transcript NM_000397.4 (MANE Select); coding-DNA positions 1465 to 1466, C inserted.
Protein change: p.Asn489fs; shifts the reading frame from asparagine 489.
Molecular consequence: frameshift variant.
Genome position: GRCh38 VCF-style: chrX-37809570-A-AC. GRCh37 (hg19) VCF-style: chrX-37668823-A-AC.
Other names: short protein forms N489fs.
Identifiers: ClinVar variation 4071545 (VCV004071545.1).